The following is an entry in ClinVar:

ClinVar aggregate classification (germline): Uncertain significance. Review status: criteria provided, multiple submitters, no conflicts (2 of 4 stars). 3 submissions from 3 submitters: Uncertain significance (2). 1 of the submissions does not count toward it. Last evaluated 2024-03-14.

Conditions:
Global developmental delay (DD). Also called: Cognitive delay. Identifiers: MedGen C0557874, HP:0001263. Disease mechanism: loss of function.
Brain atrophy. Identifiers: MedGen C4551584, HP:0012444.
Inborn genetic diseases. Identifiers: MedGen C0950123, MeSH D030342.

Allele frequency attached by ClinVar (database versions not stated): ExAC 0.00007; gnomAD exomes 0.00007 and 0.00015; gnomAD 0.00011 and 0.00013; TOPMed 0.00012; ESP Exome Variant Server 0.00023.
gnomAD v4.1: 233 of 1,612,738 alleles (0.014%); highest among the groups gnomAD compares: Non-Finnish European, 0.019%; no homozygotes.

Submissions (3):

Ambry Genetics
Classification: Uncertain significance for Inborn genetic diseases. Last evaluated: 2024-03-14. Review status: criteria provided, single submitter. Criteria: Ambry Variant Classification Scheme 2023. Collection method: clinical testing. Allele origin: germline.

Labcorp Genetics (formerly Invitae), Labcorp
Classification: Uncertain significance. Last evaluated: 2022-08-16. Review status: criteria provided, single submitter. Criteria: Invitae Variant Classification Sherloc (09022015). Collection method: clinical testing. Allele origin: germline.
Comment: This sequence change replaces glutamic acid, which is acidic and polar, with lysine, which is basic and polar, at codon 1250 of the PTPN23 protein (p.Glu1250Lys). This variant is present in population databases (rs148689441, gnomAD 0.01%). This missense change has been observed in individual(s) with clinical features of PTPN23-related conditions (PMID: 31395947). ClinVar contains an entry for this variant (Variation ID: 636315). Algorithms developed to predict the effect of missense changes on protein structure and function (SIFT, PolyPhen-2, Align-GVGD) all suggest that this variant is likely to be tolerated. In summary, the available evidence is currently insufficient to determine the role of this variant in disease. Therefore, it has been classified as a Variant of Uncertain Significance.

Regeneron Genetics Center, Regeneron
Classification: Likely pathogenic for Global developmental delay; Brain atrophy. Last evaluated: 2019-02-15. Review status: no assertion criteria provided. Collection method: research. Allele origin: germline. Affected: yes. Not counted in ClinVar's aggregate classification.
Comment: Identified in cohort of patients with neurodevelopmental disorder accompanied by structural brain abnormalities

Literature cited by the submitters: PubMed 31395947 (cited by Ambry Genetics and Labcorp Genetics (formerly Invitae), Labcorp).

NM_015466.4(PTPN23):c.3748G>A (p.Glu1250Lys)

Gene: PTPN23 (protein tyrosine phosphatase non-receptor type 23; plus strand). Cytogenetic location: 3p21.31.
Variant type: single nucleotide variant.
Coding change: c.3748G>A on transcript NM_015466.4 (MANE Select); coding-DNA position 3748, G replaced by A.
Protein change: p.Glu1250Lys; replaces glutamic acid 1250 with lysine.
Molecular consequence: missense variant.
Genome position (GRCh38, 1-based): chr3:47,411,546, G>A. VCF-style: chr3-47411546-G-A. GRCh37 (hg19) VCF-style: chr3-47453036-G-A.
Other names: c.3370G>A, p.Glu1124Lys (NM_001304482.2); c.3748G>A (NM_015466.2); short protein forms E1250K, E1124K.
Identifiers: ClinVar variation 636315 (VCV000636315.6), dbSNP rs148689441, ClinGen allele CA2366341.
Genomic context (GRCh38, chr3:47,411,546, plus strand): 5'-GACAGTAACCGTGTGGTGCTGCGCTCAGGCAAGGATGACTACATCAATGCCAGCTGCGTG[G>A]AGGGGCTCTCCCCATACTGCCCCCCGCTAGTGGCAACCCAGGCCCCACTGCCTGGCACAG-3'
Protein context (NP_056281.1, residues 1240-1260): KDDYINASCV[Glu1250Lys]GLSPYCPPLV